The following is an entry in ClinVar:

NM_000540.3(RYR1):c.670G>A (p.Gly224Arg)

Gene: RYR1 (ryanodine receptor 1; plus strand). Cytogenetic location: 19q13.2.
Variant type: single nucleotide variant.
Coding change: c.670G>A on transcript NM_000540.3 (MANE Select); coding-DNA position 670, G replaced by A.
Protein change: p.Gly224Arg; replaces glycine 224 with arginine.
Molecular consequence: missense variant.
Genome position (GRCh38, 1-based): chr19:38,446,510, G>A. VCF-style: chr19-38446510-G-A. GRCh37 (hg19) VCF-style: chr19-38937150-G-A.
Other names: c.670G>A, p.Gly224Arg (NM_001042723.2); short protein forms G224R.
Identifiers: ClinVar variation 1345317 (VCV001345317.8), dbSNP rs1273260301, ClinGen allele CA405679515.

ClinVar aggregate classification (germline): Uncertain significance (1 of 4 stars; one submission).

Conditions:
RYR1-related disorder. Also called: RYR1-related condition; RYR1-related disorders. Identifiers: MedGen CN239331.

Allele frequency attached by ClinVar (database versions not stated): gnomAD exomes 0.00001.
gnomAD v4.1: 3 of 1,614,170 alleles (0.00019%); highest among the groups gnomAD compares: South Asian, 0.0022%; no homozygotes.

Submission:

Labcorp Genetics (formerly Invitae), Labcorp
Classification: Uncertain significance for RYR1-related disorder. Last evaluated: 2021-06-01. Review status: criteria provided, single submitter. Criteria: Invitae Variant Classification Sherloc (09022015). Collection method: clinical testing. Allele origin: germline.
Comment: In summary, the available evidence is currently insufficient to determine the role of this variant in disease. Therefore, it has been classified as a Variant of Uncertain Significance. Algorithms developed to predict the effect of sequence changes on RNA splicing suggest that this variant may create or strengthen a splice site, but this prediction has not been confirmed by published transcriptional studies. Advanced modeling of protein sequence and biophysical properties (such as structural, functional, and spatial information, amino acid conservation, physicochemical variation, residue mobility, and thermodynamic stability) performed at Invitae indicates that this missense variant is expected to disrupt RYR1 protein function. This variant has not been reported in the literature in individuals with RYR1-related conditions. This variant is not present in population databases (ExAC no frequency). This sequence change replaces glycine with arginine at codon 224 of the RYR1 protein (p.Gly224Arg). The glycine residue is highly conserved and there is a moderate physicochemical difference between glycine and arginine.